The following is an entry in ClinVar:

ClinVar aggregate classification (germline): Uncertain significance. Review status: criteria provided, multiple submitters, no conflicts (2 of 4 stars). 2 submissions from 2 submitters: Uncertain significance (2). Last evaluated 2022-12-07.

Conditions:
Autosomal recessive ataxia, Beauce type. Also called: ATAXIA, RECESSIVE, OF BEAUCE; Spinocerebellar ataxia, autosomal recessive 8; SYNE1-Related Autosomal Recessive Cerebellar Ataxia; SYNE1 Deficiency. Identifiers: Orphanet 88644, MedGen C1853116, MONDO:0012549, OMIM 610743.
Emery-Dreifuss muscular dystrophy 4, autosomal dominant (EDMD4). Also called: EMERY-DREIFUSS MUSCULAR DYSTROPHY 4 WITH VARIABLE FEATURES. Identifiers: Orphanet 261, MedGen C2751807, MONDO:0013071, OMIM 612998.

Allele frequency attached by ClinVar (database versions not stated): gnomAD exomes below 0.00001 and 0.00001; ExAC 0.00001; gnomAD 0.00001.
gnomAD v4.1: 8 of 1,613,916 alleles (0.0005%); highest among the groups gnomAD compares: African/African-American, 0.0013%; no homozygotes.

Submissions (2):

Labcorp Genetics (formerly Invitae), Labcorp
Classification: Uncertain significance for Emery-Dreifuss muscular dystrophy 4, autosomal dominant; Autosomal recessive ataxia, Beauce type. Last evaluated: 2022-12-07. Review status: criteria provided, single submitter. Criteria: Invitae Variant Classification Sherloc (09022015). Collection method: clinical testing. Allele origin: germline.
Comment: This sequence change falls in intron 133 of the SYNE1 gene. It does not directly change the encoded amino acid sequence of the SYNE1 protein. This variant is present in population databases (rs780026181, gnomAD 0.0009%). This variant has not been reported in the literature in individuals affected with SYNE1-related conditions. ClinVar contains an entry for this variant (Variation ID: 1001830). Algorithms developed to predict the effect of sequence changes on RNA splicing suggest that this variant may disrupt the consensus splice site. In summary, the available evidence is currently insufficient to determine the role of this variant in disease. Therefore, it has been classified as a Variant of Uncertain Significance.

Revvity Omics, Revvity
Classification: Uncertain significance. Last evaluated: 2020-08-17. Review status: criteria provided, single submitter. Criteria: ACMG Guidelines, 2015. Collection method: clinical testing. Allele origin: germline.

NM_182961.4(SYNE1):c.24312+8C>G

Gene: SYNE1 (spectrin repeat containing nuclear envelope protein 1; minus strand). Cytogenetic location: 6q25.2.
Variant type: single nucleotide variant.
Coding change: c.24312+8C>G on transcript NM_182961.4 (MANE Select); 8 bases into the intron after coding-DNA position 24312, C replaced by G.
Molecular consequence: intron variant.
Genome position (GRCh38, 1-based): chr6:152,151,951, G>C on the plus strand (C>G on the coding strand, the complement: SYNE1 is on the minus strand). VCF-style: chr6-152151951-G-C. GRCh37 (hg19) VCF-style: chr6-152473086-G-C.
Other names: c.24099+8C>G (NM_033071.3, NM_033071.5); c.918+8C>G (NM_001347701.2); c.777+8C>G (NM_001347702.2).
Identifiers: ClinVar variation 1001830 (VCV001001830.10), dbSNP rs780026181, ClinGen allele CA4053219.